The following is an entry in ClinVar:

NM_000344.4(SMN1):c.844C>T (p.Gln282Ter)

Gene: SMN1 (survival of motor neuron 1, telomeric). Cytogenetic location: 5q13.2.
Variant type: single nucleotide variant.
Coding change: c.844C>T on transcript NM_000344.4 (MANE Select); coding-DNA position 844, C replaced by T.
Protein change: p.Gln282Ter; replaces glutamine 282 with a stop codon.
Molecular consequence: nonsense. On other transcripts: intron variant (1).
Genome position (GRCh38, 1-based): chr5:70,951,950, C>T. VCF-style: chr5-70951950-C-T. GRCh37 (hg19) VCF-style: chr5-70247777-C-T.
Other names: c.748C>T, p.Gln250Ter (NM_022874.2); c.835-489C>T (NM_001297715.1); short protein forms Q250*, Q282*.
Identifiers: ClinVar variation 3897011 (VCV003897011.1).

ClinVar aggregate classification (germline): Likely pathogenic (1 of 4 stars; one submission).

Conditions:
Spinal muscular atrophy, type II (SMA2). Also called: MUSCULAR ATROPHY, SPINAL, INFANTILE CHRONIC FORM; MUSCULAR ATROPHY, SPINAL, INTERMEDIATE TYPE; SMA II. Identifiers: Orphanet 70, Orphanet 83418, MedGen C0393538, MONDO:0009673, OMIM 253550.
Werdnig-Hoffmann disease (SMA1). Also called: MUSCULAR ATROPHY, INFANTILE; SMA I; SMA, INFANTILE ACUTE FORM; HMN (Hereditary Motor Neuropathy) Proximal Type I. Identifiers: Orphanet 83330, MedGen C5848259, MONDO:0009669, OMIM 253300. Disease mechanism: loss of function.

Submission:

Kariminejad - Najmabadi Pathology & Genetics Center
Classification: Likely pathogenic for Werdnig-Hoffmann disease; Spinal muscular atrophy, type II. Last evaluated: 2022-11-22. Review status: criteria provided, single submitter. Criteria: ACMG Guidelines, 2015. Collection method: clinical testing. Allele origin: germline. Inheritance: Autosomal recessive inheritance. Affected: yes.
Comment: PVS1-Strong, PM2, PP5